The following is an entry in ClinVar:

ClinVar aggregate classification (germline): Uncertain significance (1 of 4 stars; one submission).

Submission:

GeneDx
Classification: Uncertain significance. Last evaluated: 2023-12-18. Review status: criteria provided, single submitter. Criteria: GeneDx Variant Classification Process June 2021. Collection method: clinical testing. Allele origin: germline. Affected: yes.
Comment: Not observed at significant frequency in large population cohorts (gnomAD); In silico analysis supports that this missense variant has a deleterious effect on protein structure/function; Has not been previously published as pathogenic or benign to our knowledge

NM_013450.4(BAZ2B):c.1687G>T (p.Gly563Trp)

Gene: BAZ2B (bromodomain adjacent to zinc finger domain 2B; minus strand). Cytogenetic location: 2q24.2.
Variant type: single nucleotide variant.
Coding change: c.1687G>T on transcript NM_013450.4 (MANE Select); coding-DNA position 1687, G replaced by T.
Protein change: p.Gly563Trp; replaces glycine 563 with tryptophan.
Molecular consequence: missense variant.
Genome position (GRCh38, 1-based): chr2:159,432,970, C>A on the plus strand (G>T on the coding strand, the complement: BAZ2B is on the minus strand). VCF-style: chr2-159432970-C-A. GRCh37 (hg19) VCF-style: chr2-160289481-C-A.
Other names: c.1681G>T, p.Gly561Trp (NM_001289975.1); c.1498G>T, p.Gly500Trp (NM_001329857.2); c.1687G>T, p.Gly563Trp (NM_001329858.2); short protein forms G500W, G561W, G563W.
Identifiers: ClinVar variation 3369969 (VCV003369969.1).
Genomic context (GRCh38, chr2:159,432,970, plus strand): 5'-GATGGGAGTGATGCTGTGTTTTTACTGGGTTTACATTATTGCTAACTGCTTTTTCCTTCC[C>A]TTGACTATGCAGGATGGGAGAGGCAGAGGGCATTACAGGTGTCTGATTGCCAGGGGTTCT-3'
Protein context (NP_038478.2, residues 553-573): PSASPILHSQ[Gly563Trp]KEKAVSNNVN